The following is an entry in ClinVar:

NM_002470.4(MYH3):c.1759G>A (p.Val587Met)

Gene: MYH3 (myosin heavy chain 3; minus strand). Cytogenetic location: 17p13.1.
Variant type: single nucleotide variant.
Coding change: c.1759G>A on transcript NM_002470.4 (MANE Select); coding-DNA position 1759, G replaced by A.
Protein change: p.Val587Met; replaces valine 587 with methionine.
Molecular consequence: missense variant.
Genome position (GRCh38, 1-based): chr17:10,642,546, C>T on the plus strand (G>A on the coding strand, the complement: MYH3 is on the minus strand). VCF-style: chr17-10642546-C-T. GRCh37 (hg19) VCF-style: chr17-10545863-C-T.
Other names: c.1759G>A (NM_002470.3); short protein forms V587M.
Identifiers: ClinVar variation 1392025 (VCV001392025.8), dbSNP rs765585804, ClinGen allele CA8392940.

ClinVar aggregate classification (germline): Uncertain significance. Review status: criteria provided, multiple submitters, no conflicts (2 of 4 stars). 3 submissions from 3 submitters: Uncertain significance (3). Last evaluated 2025-09-23.

Allele frequency attached by ClinVar (database versions not stated): ExAC 0.00002; gnomAD exomes 0.00002 and 0.00003.
gnomAD v4.1: 51 of 1,614,070 alleles (0.0032%); highest among the groups gnomAD compares: Middle Eastern, 0.016%; no homozygotes.

Submissions (3):

Women's Health and Genetics/Laboratory Corporation of America, LabCorp
Classification: Uncertain significance. Last evaluated: 2025-09-23. Review status: criteria provided, single submitter. Criteria: LabCorp Variant Classification Summary - May 2015. Collection method: clinical testing. Allele origin: germline.
Comment: Variant summary: MYH3 c.1759G>A (p.Val587Met) results in a conservative amino acid change in the encoded protein sequence. Algorithms developed to predict the effect of missense changes on protein structure and function are either unavailable or do not agree on the potential impact of this missense change. The variant allele was found at a frequency of 1.6e-05 in 251492 control chromosomes. The available data on variant occurrences in the general population are insufficient to allow any conclusion about variant significance. To our knowledge, no occurrence of c.1759G>A in individuals affected with MYH3-related conditions and no experimental evidence demonstrating its impact on protein function have been reported. ClinVar contains an entry for this variant (Variation ID: 1392025). Based on the evidence outlined above, the variant was classified as uncertain significance.

GeneDx
Classification: Uncertain significance. Last evaluated: 2024-10-04. Review status: criteria provided, single submitter. Criteria: GeneDx Variant Classification Process June 2021. Collection method: clinical testing. Allele origin: germline. Affected: yes.
Comment: In silico analysis supports that this missense variant has a deleterious effect on protein structure/function; Has not been previously published as pathogenic or benign to our knowledge

Labcorp Genetics (formerly Invitae), Labcorp
Classification: Uncertain significance. Last evaluated: 2024-05-16. Review status: criteria provided, single submitter. Criteria: Invitae Variant Classification Sherloc (09022015). Collection method: clinical testing. Allele origin: germline.
Comment: This sequence change replaces valine, which is neutral and non-polar, with methionine, which is neutral and non-polar, at codon 587 of the MYH3 protein (p.Val587Met). This variant is present in population databases (rs765585804, gnomAD 0.008%). This variant has not been reported in the literature in individuals affected with MYH3-related conditions. ClinVar contains an entry for this variant (Variation ID: 1392025). Advanced modeling of protein sequence and biophysical properties (such as structural, functional, and spatial information, amino acid conservation, physicochemical variation, residue mobility, and thermodynamic stability) has been performed at Invitae for this missense variant, however the output from this modeling did not meet the statistical confidence thresholds required to predict the impact of this variant on MYH3 protein function. In summary, the available evidence is currently insufficient to determine the role of this variant in disease. Therefore, it has been classified as a Variant of Uncertain Significance.